The following is an entry in ClinVar:

NM_000051.4(ATM):c.5581C>T (p.Leu1861=)

Gene: ATM (ATM serine/threonine kinase; plus strand). Cytogenetic location: 11q22.3.
Variant type: single nucleotide variant.
Coding change: c.5581C>T on transcript NM_000051.4 (MANE Select); coding-DNA position 5581, C replaced by T.
Protein change: p.Leu1861=; no amino-acid change (leucine 1861 retained).
Molecular consequence: synonymous variant.
Genome position (GRCh38, 1-based): chr11:108,304,759, C>T. VCF-style: chr11-108304759-C-T. GRCh37 (hg19) VCF-style: chr11-108175486-C-T.
Other names: c.5581C>T, p.Leu1861= (NM_001351834.2).
Identifiers: ClinVar variation 1748430 (VCV001748430.3), dbSNP rs1314298685, ClinGen allele CA476675147.

ClinVar aggregate classification (germline): Benign/Likely benign. Review status: criteria provided, multiple submitters, no conflicts (2 of 4 stars). 2 submissions from 2 submitters: Benign (1); Likely benign (1). Last evaluated 2024-05-23.

Conditions:
Hereditary cancer-predisposing syndrome. Also called: Hereditary Cancer Syndrome; Hereditary neoplastic syndrome; Neoplastic Syndromes, Hereditary; Tumor predisposition. Identifiers: Orphanet 140162, MedGen C0027672, MeSH D009386, MONDO:0015356.
Familial cancer of breast. Also called: BREAST CANCER, FAMILIAL; hereditary breast carcinoma; Hereditary breast cancer. Identifiers: Orphanet 227535, MedGen C0346153, MONDO:0016419, OMIM 114480. Disease mechanism: loss of function.

Submissions (2):

Myriad Genetics, Inc.
Classification: Benign for Familial cancer of breast. Last evaluated: 2024-05-23. Review status: criteria provided, single submitter. Criteria: Myriad Autosomal Dominant, Autosomal Recessive and X-Linked Classification Criteria (2023). Collection method: clinical testing. Allele origin: unknown.
Comment: This variant is considered benign. This variant is a silent/synonymous amino acid change and it is not expected to impact splicing.

Ambry Genetics
Classification: Likely benign for Hereditary cancer-predisposing syndrome. Last evaluated: 2021-10-10. Review status: criteria provided, single submitter. Criteria: Ambry Variant Classification Scheme 2023. Collection method: clinical testing. Allele origin: germline.